The following is an entry in ClinVar:

ClinVar aggregate classification (germline): Uncertain significance (1 of 4 stars; one submission).

Conditions:
Hereditary cancer-predisposing syndrome. Also called: Neoplastic Syndromes, Hereditary; Tumor predisposition; Hereditary Cancer Syndrome; Hereditary neoplastic syndrome. Identifiers: Orphanet 140162, MedGen C0027672, MeSH D009386, MONDO:0015356.

Submission:

Ambry Genetics
Classification: Uncertain significance for Hereditary cancer-predisposing syndrome. Last evaluated: 2026-04-11. Review status: criteria provided, single submitter. Criteria: Ambry Variant Classification Scheme 2023. Collection method: clinical testing. Allele origin: germline.
Comment: The p.E385D variant (also known as c.1155G>C), located in coding exon 9 of the SDHA gene, results from a G to C substitution at nucleotide position 1155. The glutamic acid at codon 385 is replaced by aspartic acid, an amino acid with highly similar properties. This amino acid position is conserved. In addition, the in silico prediction for this alteration is inconclusive. Based on the available evidence, the clinical significance of this variant remains unclear.

NM_004168.4(SDHA):c.1155G>C (p.Glu385Asp)

Gene: SDHA (succinate dehydrogenase complex flavoprotein subunit A; plus strand). Cytogenetic location: 5p15.33.
Variant type: single nucleotide variant.
Coding change: c.1155G>C on transcript NM_004168.4 (MANE Select); coding-DNA position 1155, G replaced by C.
Protein change: p.Glu385Asp; replaces glutamic acid 385 with aspartic acid.
Molecular consequence: missense variant.
Genome position (GRCh38, 1-based): chr5:235,234, G>C. VCF-style: chr5-235234-G-C. GRCh37 (hg19) VCF-style: chr5-235349-G-C.
Other names: c.1011G>C, p.Glu337Asp (NM_001294332.2); c.1155G>C, p.Glu385Asp (NM_001330758.2); short protein forms E337D, E385D.
Identifiers: ClinVar variation 4864219 (VCV004864219.1).